The following is an entry in ClinVar:

NM_001166108.2(PALLD):c.250A>C (p.Thr84Pro)

Gene: PALLD (palladin, cytoskeletal associated protein; plus strand). Cytogenetic location: 4q32.3.
Variant type: single nucleotide variant.
Coding change: c.250A>C on transcript NM_001166108.2 (MANE Select); coding-DNA position 250, A replaced by C.
Protein change: p.Thr84Pro; replaces threonine 84 with proline.
Molecular consequence: missense variant.
Genome position (GRCh38, 1-based): chr4:168,511,754, A>C. VCF-style: chr4-168511754-A-C. GRCh37 (hg19) VCF-style: chr4-169432905-A-C.
Other names: c.250A>C, p.Thr84Pro (NM_016081.4); short protein forms T84P.
Identifiers: ClinVar variation 1792355 (VCV001792355.3), dbSNP rs377371167, ClinGen allele CA3135324.
Genomic context (GRCh38, chr4:168,511,754, plus strand): 5'-ATCTCGCAGATTTTCAGTACTTCTCCTGCAAGCCTCTGTGAACATCCTTCCCATAAGGAG[A>C]CCAAATTGGGTGAACACGCCTCGAGGAGACCTCAGGATAACAGGTCAACACCTGTCCAGC-3'
Protein context (NP_001159580.1, residues 74-94): SLCEHPSHKE[Thr84Pro]KLGEHASRRP

ClinVar aggregate classification (germline): Uncertain significance (1 of 4 stars; one submission).

Allele frequency attached by ClinVar (database versions not stated): gnomAD 0.00001; ESP Exome Variant Server 0.00008.
gnomAD v4.1: 11 of 1,614,046 alleles (0.00068%); highest among the groups gnomAD compares: Non-Finnish European, 0.00093%; no homozygotes.

Submission:

Ambry Genetics
Classification: Uncertain significance. Last evaluated: 2024-10-23. Review status: criteria provided, single submitter. Criteria: Ambry Variant Classification Scheme 2023. Collection method: clinical testing. Allele origin: germline.
Comment: The p.T84P variant (also known as c.250A>C), located in coding exon 1 of the PALLD gene, results from an A to C substitution at nucleotide position 250. The threonine at codon 84 is replaced by proline, an amino acid with highly similar properties. This amino acid position is conserved. In addition, this alteration is predicted to be tolerated by in silico analysis. Since supporting evidence is limited at this time, the clinical significance of this alteration remains unclear.